The following is an entry in ClinVar:

NM_000429.3(MAT1A):c.893C>T (p.Ala298Val)

Gene: MAT1A (methionine adenosyltransferase 1A; minus strand). Cytogenetic location: 10q22.3.
Variant type: single nucleotide variant.
Coding change: c.893C>T on transcript NM_000429.3 (MANE Select); coding-DNA position 893, C replaced by T.
Protein change: p.Ala298Val; replaces alanine 298 with valine.
Molecular consequence: missense variant.
Genome position (GRCh38, 1-based): chr10:80,275,075, G>A on the plus strand (C>T on the coding strand, the complement: MAT1A is on the minus strand). VCF-style: chr10-80275075-G-A. GRCh37 (hg19) VCF-style: chr10-82034831-G-A.
Other names: short protein forms A298V.
Identifiers: ClinVar variation 3705979 (VCV003705979.2).
Genomic context (GRCh38, chr10:80,275,075, plus strand): 5'-ACCTGGACAAGCACTCTCCGGCAGAGCCCTGCTTTCACCAGAGACTTGGCCACCCAGCGG[G>A]CAGCATATGCAGCTGAGCGGTCTACCTTGGTGTAGTCCTTCCCAGAGAAGGCCCCACCAC-3'
Protein context (NP_000420.1, residues 288-308): TKVDRSAAYA[Ala298Val]RWVAKSLVKA

ClinVar aggregate classification (germline): Uncertain significance (1 of 4 stars; one submission).

Conditions:
Hepatic methionine adenosyltransferase deficiency. Also called: Deficiency of methionine adenosyltransferase; Isolated Persistent Hypermethioninemia; MAT I/III DEFICIENCY; Methionine adenosyltransferase deficiency. Identifiers: Orphanet 168598, MedGen C0268621, MeSH C564683, MONDO:0009607, OMIM 250850.

gnomAD v4.1: 6 of 1,580,708 alleles (0.00038%); highest among the groups gnomAD compares: African/African-American, 0.0068%; no homozygotes.

Submission:

Labcorp Genetics (formerly Invitae), Labcorp
Classification: Uncertain significance for Hepatic methionine adenosyltransferase deficiency. Last evaluated: 2025-10-27. Review status: criteria provided, single submitter. Criteria: Invitae Variant Classification Sherloc (09022015). Collection method: clinical testing. Allele origin: germline.
Comment: This sequence change replaces alanine, which is neutral and non-polar, with valine, which is neutral and non-polar, at codon 298 of the MAT1A protein (p.Ala298Val). This variant is not present in population databases (gnomAD no frequency). This variant has not been reported in the literature in individuals affected with MAT1A-related conditions. ClinVar contains an entry for this variant (Variation ID: 3705979). Invitae Evidence Modeling of protein sequence and biophysical properties (such as structural, functional, and spatial information, amino acid conservation, physicochemical variation, residue mobility, and thermodynamic stability) indicates that this missense variant is not expected to disrupt MAT1A protein function with a negative predictive value of 80%. In summary, the available evidence is currently insufficient to determine the role of this variant in disease. Therefore, it has been classified as a Variant of Uncertain Significance.